The following is an entry in ClinVar:

ClinVar aggregate classification (germline): Benign/Likely benign. Review status: criteria provided, multiple submitters, no conflicts (2 of 4 stars). 4 submissions from 4 submitters: Benign (3); Likely benign (1). Last evaluated 2026-02-04.

Allele frequency attached by ClinVar (database versions not stated): 1000 Genomes Project 0.18411; 1000 Genomes Project 30x 0.18738; gnomAD exomes 0.21211 and 0.24703; ExAC 0.22284; TOPMed 0.22917; gnomAD 0.23213 and 0.23732; ESP Exome Variant Server 0.24842.
gnomAD v4.1: 394,881 of 1,611,284 alleles (25%); highest among the groups gnomAD compares: Non-Finnish European, 27%; 50,594 homozygotes.

Submissions (4):

Labcorp Genetics (formerly Invitae), Labcorp
Classification: Benign. Last evaluated: 2026-02-04. Review status: criteria provided, single submitter. Criteria: Invitae Variant Classification Sherloc (09022015). Collection method: clinical testing. Allele origin: germline.

Blueprint Genetics
Classification: Likely benign. Last evaluated: 2024-11-27. Review status: criteria provided, single submitter. Criteria: ACMG Guidelines, 2015. Collection method: clinical testing. Allele origin: germline.

Unidad de Genómica Garrahan, Hospital de Pediatría Garrahan
Classification: Benign. Last evaluated: 2023-11-14. Review status: criteria provided, single submitter. Criteria: ACMG Guidelines, 2015. Collection method: clinical testing. Allele origin: germline. Affected: no. Observed: 36 variant alleles.
Comment: This variant is classified as Benign based on local population frequency. This variant was detected in 38% of patients studied by a panel of primary immunodeficiencies. Number of patients: 36. Only high quality variants are reported.

Mayo Clinic Laboratories, Mayo Clinic
Classification: Benign. Last evaluated: 2023-08-11. Review status: criteria provided, single submitter. Criteria: ACMG Guidelines, 2015. Collection method: clinical testing. Allele origin: germline. Observed: 177 variant alleles.
Comment: BA1, BS2, BP4

NM_014314.4(RIGI):c.19C>T (p.Arg7Cys)

Genes: RIGI (RNA sensor RIG-I; minus strand), LOC130001628 (ATAC-STARR-seq lymphoblastoid active region 28262; plus strand). Cytogenetic location: 9p21.1.
Variant type: single nucleotide variant.
Coding change: c.19C>T on transcript NM_014314.4 (MANE Select); coding-DNA position 19, C replaced by T.
Protein change: p.Arg7Cys; replaces arginine 7 with cysteine.
Molecular consequence: missense variant. On other transcripts: 5 prime UTR variant (3).
Genome position (GRCh38, 1-based): chr9:32,526,148, G>A on the plus strand (C>T on the coding strand, the complement: RIGI is on the minus strand). VCF-style: chr9-32526148-G-A. GRCh37 (hg19) VCF-style: chr9-32526146-G-A.
Other names: p.Arg7Cys; c.19C>T, p.Arg7Cys (NM_001385907.1, NM_001385909.1, NM_001385913.1); c.-436C>T (NM_001385910.1, NM_001385914.1); c.-443C>T (NM_001385912.1); short protein forms R7C.
Identifiers: ClinVar variation 1170307 (VCV001170307.13), dbSNP rs10813831, ClinGen allele CA5020199.